The following is an entry in ClinVar:

ClinVar aggregate classification (germline): Uncertain significance (1 of 4 stars; one submission).

Conditions:
Familial focal epilepsy with variable foci (FPEVF). Identifiers: Orphanet 98820, MedGen C1858477, MONDO:0020310.

Submission:

Labcorp Genetics (formerly Invitae), Labcorp
Classification: Uncertain significance for Familial focal epilepsy with variable foci. Last evaluated: 2020-01-11. Review status: criteria provided, single submitter. Criteria: Invitae Variant Classification Sherloc (09022015). Collection method: clinical testing. Allele origin: germline.
Comment: In summary, the available evidence is currently insufficient to determine the role of this variant in disease. Therefore, it has been classified as a Variant of Uncertain Significance. Experimental studies and prediction algorithms are not available or were not evaluated, and the functional significance of this variant is currently unknown. This variant has not been reported in the literature in individuals with DEPDC5-related conditions. This variant is not present in population databases (ExAC no frequency). This sequence change replaces glutamine with arginine at codon 1146 of the DEPDC5 protein (p.Gln1146Arg). The glutamine residue is highly conserved and there is a small physicochemical difference between glutamine and arginine.

NM_001242896.3(DEPDC5):c.3437A>G (p.Gln1146Arg)

Gene: DEPDC5 (DEP domain containing 5, GATOR1 subcomplex subunit; plus strand). Cytogenetic location: 22q12.3.
Variant type: single nucleotide variant.
Coding change: c.3437A>G on transcript NM_001242896.3 (MANE Select); coding-DNA position 3437, A replaced by G.
Protein change: p.Gln1146Arg; replaces glutamine 1146 with arginine.
Molecular consequence: missense variant. On other transcripts: non-coding transcript variant (5).
Genome position (GRCh38, 1-based): chr22:31,870,696, A>G. VCF-style: chr22-31870696-A-G. GRCh37 (hg19) VCF-style: chr22-32266682-A-G.
Other names: c.3410A>G, p.Gln1137Arg (NM_001136029.4); c.3137A>G, p.Gln1046Arg (NM_001242897.2); c.3371A>G, p.Gln1124Arg (NM_001363852.2, NM_001364320.2); c.3203A>G, p.Gln1068Arg (NM_001363854.2, NM_001364319.2); c.3437A>G, p.Gln1146Arg (NM_001364318.2); c.3353A>G, p.Gln1118Arg (NM_001369901.1, NM_001369902.1); c.3344A>G, p.Gln1115Arg (NM_001369903.1, NM_014662.6); short protein forms Q1146R, Q1046R, Q1068R, Q1124R, Q1137R, Q1115R, Q1118R.
Identifiers: ClinVar variation 466481 (VCV000466481.10), dbSNP rs1555913525, ClinGen allele CA411296780.